The following is an entry in ClinVar:

ClinVar aggregate classification (germline): Uncertain significance. Review status: criteria provided, multiple submitters, no conflicts (2 of 4 stars). 3 submissions from 3 submitters: Uncertain significance (3). Last evaluated 2025-05-22.

Allele frequency attached by ClinVar (database versions not stated): gnomAD exomes 0.00002; ExAC 0.00004; gnomAD 0.00005; TOPMed 0.00009.
gnomAD v4.1: 39 of 1,613,686 alleles (0.0024%); highest among the groups gnomAD compares: African/African-American, 0.016%; no homozygotes.

Submissions (3):

Labcorp Genetics (formerly Invitae), Labcorp
Classification: Uncertain significance. Last evaluated: 2025-05-22. Review status: criteria provided, single submitter. Criteria: Invitae Variant Classification Sherloc (09022015). Collection method: clinical testing. Allele origin: germline.
Comment: This sequence change replaces arginine, which is basic and polar, with glutamine, which is neutral and polar, at codon 264 of the RHAG protein (p.Arg264Gln). This variant is present in population databases (rs761362339, gnomAD 0.01%). This variant has not been reported in the literature in individuals affected with RHAG-related conditions. ClinVar contains an entry for this variant (Variation ID: 2435426). Invitae Evidence Modeling of protein sequence and biophysical properties (such as structural, functional, and spatial information, amino acid conservation, physicochemical variation, residue mobility, and thermodynamic stability) indicates that this missense variant is not expected to disrupt RHAG protein function with a negative predictive value of 80%. In summary, the available evidence is currently insufficient to determine the role of this variant in disease. Therefore, it has been classified as a Variant of Uncertain Significance.

Ambry Genetics
Classification: Uncertain significance. Last evaluated: 2025-05-04. Review status: criteria provided, single submitter. Criteria: Ambry Variant Classification Scheme 2023. Collection method: clinical testing. Allele origin: germline.

Revvity Omics, Revvity
Classification: Uncertain significance. Last evaluated: 2025-01-14. Review status: criteria provided, single submitter. Criteria: ACMG Guidelines, 2015. Collection method: clinical testing. Allele origin: germline.

NM_000324.3(RHAG):c.791G>A (p.Arg264Gln)

Gene: RHAG (Rh associated glycoprotein; minus strand). Cytogenetic location: 6p12.3.
Variant type: single nucleotide variant.
Coding change: c.791G>A on transcript NM_000324.3 (MANE Select); coding-DNA position 791, G replaced by A.
Protein change: p.Arg264Gln; replaces arginine 264 with glutamine.
Molecular consequence: missense variant.
Genome position (GRCh38, 1-based): chr6:49,614,703, C>T on the plus strand (G>A on the coding strand, the complement: RHAG is on the minus strand). VCF-style: chr6-49614703-C-T. GRCh37 (hg19) VCF-style: chr6-49582416-C-T.
Other names: short protein forms R264Q.
Identifiers: ClinVar variation 2435426 (VCV002435426.5), dbSNP rs761362339, ClinGen allele CA3847830.